The following is an entry in ClinVar:

NM_001145026.2(PTPRQ):c.5681C>T (p.Thr1894Ile)

Gene: PTPRQ (protein tyrosine phosphatase receptor type Q; plus strand). Cytogenetic location: 12q21.31.
Variant type: single nucleotide variant.
Coding change: c.5681C>T on transcript NM_001145026.2 (MANE Select); coding-DNA position 5681, C replaced by T.
Protein change: p.Thr1894Ile; replaces threonine 1894 with isoleucine.
Molecular consequence: missense variant.
Genome position (GRCh38, 1-based): chr12:80,622,129, C>T. VCF-style: chr12-80622129-C-T. GRCh37 (hg19) VCF-style: chr12-81015908-C-T.
Other names: short protein forms T1894I.
Identifiers: ClinVar variation 3391680 (VCV003391680.1).

ClinVar aggregate classification (germline): Uncertain significance (1 of 4 stars; one submission).

gnomAD v4.1: 8 of 1,428,014 alleles (0.00056%); highest among the groups gnomAD compares: Non-Finnish European, 0.00074%; no homozygotes.

Submission:

GeneDx
Classification: Uncertain significance. Last evaluated: 2024-06-18. Review status: criteria provided, single submitter. Criteria: GeneDx Variant Classification Process June 2021. Collection method: clinical testing. Allele origin: germline. Affected: yes.
Comment: Not observed at significant frequency in large population cohorts (gnomAD); In silico analysis supports that this missense variant has a deleterious effect on protein structure/function; Has not been previously published as pathogenic or benign to our knowledge